The following is an entry in ClinVar:

ClinVar aggregate classification (germline): Uncertain significance (1 of 4 stars; one submission).

Conditions:
Candidiasis, familial, 9 (CANDF9). Identifiers: Orphanet 1334, MedGen C4225324, MONDO:0014642, OMIM 616445.

Allele frequency attached by ClinVar (database versions not stated): gnomAD 0.00001; gnomAD exomes 0.00001 and 0.00003; TOPMed 0.00001; ExAC 0.00008.
gnomAD v4.1: 18 of 1,612,150 alleles (0.0011%); highest among the groups gnomAD compares: Non-Finnish European, 0.0014%; no homozygotes.

Submission:

Labcorp Genetics (formerly Invitae), Labcorp
Classification: Uncertain significance for Candidiasis, familial, 9. Last evaluated: 2023-03-27. Review status: criteria provided, single submitter. Criteria: Invitae Variant Classification Sherloc (09022015). Collection method: clinical testing. Allele origin: germline.
Comment: This sequence change replaces lysine, which is basic and polar, with arginine, which is basic and polar, at codon 147 of the IL17RC protein (p.Lys147Arg). This variant is present in population databases (rs751842121, gnomAD 0.006%). This variant has not been reported in the literature in individuals affected with IL17RC-related conditions. ClinVar contains an entry for this variant (Variation ID: 970643). An algorithm developed to predict the effect of missense changes on protein structure and function (PolyPhen-2) suggests that this variant is likely to be tolerated. In summary, the available evidence is currently insufficient to determine the role of this variant in disease. Therefore, it has been classified as a Variant of Uncertain Significance.

NM_153460.4(IL17RC):c.227A>G (p.Lys76Arg)

Gene: IL17RC (interleukin 17 receptor C; plus strand). Cytogenetic location: 3p25.3.
Variant type: single nucleotide variant.
Coding change: c.227A>G on transcript NM_153460.4 (MANE Select); coding-DNA position 227, A replaced by G.
Protein change: p.Lys76Arg; replaces lysine 76 with arginine.
Molecular consequence: missense variant. On other transcripts: non-coding transcript variant (1).
Genome position (GRCh38, 1-based): chr3:9,918,022, A>G. VCF-style: chr3-9918022-A-G. GRCh37 (hg19) VCF-style: chr3-9959706-A-G.
Other names: c.227A>G, p.Lys76Arg (NM_001203263.2, NM_001203264.2, NM_001203265.2 and 4 more transcripts); c.440A>G, p.Lys147Arg (NM_153461.4); short protein forms K76R, K147R.
Identifiers: ClinVar variation 970643 (VCV000970643.7), dbSNP rs751842121, ClinGen allele CA2246772.